The following is an entry in ClinVar:

NM_198994.3(TGM6):c.852C>A (p.Val284=)

Gene: TGM6 (transglutaminase 6; plus strand). Cytogenetic location: 20p13.
Variant type: single nucleotide variant.
Coding change: c.852C>A on transcript NM_198994.3 (MANE Select); coding-DNA position 852, C replaced by A.
Protein change: p.Val284=; no amino-acid change (valine 284 retained).
Molecular consequence: synonymous variant.
Genome position (GRCh38, 1-based): chr20:2,400,307, C>A. VCF-style: chr20-2400307-C-A. GRCh37 (hg19) VCF-style: chr20-2380953-C-A.
Other names: c.852C>A, p.Val284= (NM_001254734.2).
Identifiers: ClinVar variation 2119417 (VCV002119417.4), dbSNP rs956270803, ClinGen allele CA310838964.

ClinVar aggregate classification (germline): Uncertain significance (1 of 4 stars; one submission).

Allele frequency attached by ClinVar (database versions not stated): gnomAD 0.00001; TOPMed 0.00001.
gnomAD v4.1: 2 of 1,614,076 alleles (0.00012%); highest among the groups gnomAD compares: African/African-American, 0.0027%; no homozygotes.

Submission:

Labcorp Genetics (formerly Invitae), Labcorp
Classification: Uncertain significance. Last evaluated: 2022-04-29. Review status: criteria provided, single submitter. Criteria: Invitae Variant Classification Sherloc (09022015). Collection method: clinical testing. Allele origin: germline.
Comment: Algorithms developed to predict the effect of sequence changes on RNA splicing suggest that this variant may disrupt the consensus splice site. In summary, the available evidence is currently insufficient to determine the role of this variant in disease. Therefore, it has been classified as a Variant of Uncertain Significance. This variant has not been reported in the literature in individuals affected with TGM6-related conditions. This variant is present in population databases (no rsID available, gnomAD 0.01%). This sequence change affects codon 284 of the TGM6 mRNA. It is a 'silent' change, meaning that it does not change the encoded amino acid sequence of the TGM6 protein.